The following is an entry in ClinVar:

NM_000620.5(NOS1):c.3225C>T (p.Asn1075=)

Gene: NOS1 (nitric oxide synthase 1; minus strand). Cytogenetic location: 12q24.22.
Variant type: single nucleotide variant.
Coding change: c.3225C>T on transcript NM_000620.5 (MANE Select); coding-DNA position 3225, C replaced by T.
Protein change: p.Asn1075=; no amino-acid change (asparagine 1075 retained).
Molecular consequence: synonymous variant.
Genome position (GRCh38, 1-based): chr12:117,234,575, G>A on the plus strand (C>T on the coding strand, the complement: NOS1 is on the minus strand). VCF-style: chr12-117234575-G-A. GRCh37 (hg19) VCF-style: chr12-117672380-G-A.
Other names: c.2217C>T, p.Asn739= (NM_001204213.2, NM_001204214.2); c.3327C>T, p.Asn1109= (NM_001204218.2).
Identifiers: ClinVar variation 3047236 (VCV003047236.2), dbSNP rs541417685, ClinGen allele CA6814569.

ClinVar aggregate classification (germline): Likely benign (0 of 4 stars; one submission).

Conditions:
NOS1-related disorder. Also called: NOS1-related condition.

Allele frequency attached by ClinVar (database versions not stated): gnomAD 0.00001; gnomAD exomes 0.00002; ExAC 0.00006.
gnomAD v4.1: 29 of 1,613,624 alleles (0.0018%); highest among the groups gnomAD compares: South Asian, 0.025%; no homozygotes.

Submission:

PreventionGenetics, part of Exact Sciences
Classification: Likely benign for NOS1-related condition. Last evaluated: 2019-04-24. Review status: no assertion criteria provided. Collection method: clinical testing. Allele origin: germline.
Comment: This variant is classified as likely benign based on ACMG/AMP sequence variant interpretation guidelines (Richards et al. 2015 PMID: 25741868, with internal and published modifications).